The following is an entry in ClinVar:

NM_032043.3(BRIP1):c.2245A>G (p.Lys749Glu)

Gene: BRIP1 (BRCA1 interacting helicase 1; minus strand). Cytogenetic location: 17q23.2.
Variant type: single nucleotide variant.
Coding change: c.2245A>G on transcript NM_032043.3 (MANE Select); coding-DNA position 2245, A replaced by G.
Protein change: p.Lys749Glu; replaces lysine 749 with glutamic acid.
Molecular consequence: missense variant.
Genome position (GRCh38, 1-based): chr17:61,744,444, T>C on the plus strand (A>G on the coding strand, the complement: BRIP1 is on the minus strand). VCF-style: chr17-61744444-T-C. GRCh37 (hg19) VCF-style: chr17-59821805-T-C.
Other names: short protein forms K749E.
Identifiers: ClinVar variation 1318658 (VCV001318658.2), dbSNP rs2144695290, ClinGen allele CA400482844.

ClinVar aggregate classification (germline): Uncertain significance (1 of 4 stars; one submission).

Submission:

GeneDx
Classification: Uncertain significance. Last evaluated: 2020-03-02. Review status: criteria provided, single submitter. Criteria: GeneDx Variant Classification Process June 2021. Collection method: clinical testing. Allele origin: germline. Affected: yes.
Comment: Has not been previously published as pathogenic or benign to our knowledge; Not observed in large population cohorts (Lek 2016); In silico analysis supports that this missense variant does not alter protein structure/function